The following is an entry in ClinVar:

ClinVar aggregate classification (germline): Uncertain significance. Review status: criteria provided, multiple submitters, no conflicts (2 of 4 stars). 8 submissions from 6 submitters: Uncertain significance (7). 1 of the submissions does not count toward it. Last evaluated 2025-07-22.

Conditions:
Usher syndrome type 1 (USH1). Also called: RETINITIS PIGMENTOSA AND CONGENITAL DEAFNESS. Identifiers: Orphanet 231169, Orphanet 886, MedGen C1568247, MONDO:0010168, OMIM 276900.
Usher syndrome type 1B (USH1B). Also called: Usher syndrome type IB. Identifiers: MedGen C1848638, MONDO:0700087.
Inborn genetic diseases. Identifiers: MedGen C0950123, MeSH D030342.
Autosomal dominant nonsyndromic hearing loss 11. Identifiers: Orphanet 90635, MedGen C1832475, MONDO:0011032, OMIM 601317.
Autosomal recessive nonsyndromic hearing loss 2. Also called: NEUROSENSORY NONSYNDROMIC RECESSIVE DEAFNESS 2; DEAFNESS, AUTOSOMAL RECESSIVE 2. Identifiers: Orphanet 90636, MedGen C1838701, MONDO:0010807, OMIM 600060.

Allele frequency attached by ClinVar (database versions not stated): ExAC below 0.00001; gnomAD 0.00003 and 0.00005; TOPMed 0.00005.
gnomAD v4.1: 54 of 1,541,434 alleles (0.0035%); highest among the groups gnomAD compares: African/African-American, 0.0096%; no homozygotes.

Submissions (8):

Ambry Genetics
Classification: Uncertain significance for Inborn genetic diseases. Last evaluated: 2025-07-22. Review status: criteria provided, single submitter. Criteria: Ambry Variant Classification Scheme 2023. Collection method: clinical testing. Allele origin: germline.

Labcorp Genetics (formerly Invitae), Labcorp
Classification: Uncertain significance. Last evaluated: 2024-10-16. Review status: criteria provided, single submitter. Criteria: Invitae Variant Classification Sherloc (09022015). Collection method: clinical testing. Allele origin: germline.
Comment: This sequence change replaces arginine, which is basic and polar, with histidine, which is basic and polar, at codon 791 of the MYO7A protein (p.Arg791His). The frequency data for this variant in the population databases is considered unreliable, as metrics indicate poor data quality at this position in the gnomAD database. This variant has not been reported in the literature in individuals affected with MYO7A-related conditions. ClinVar contains an entry for this variant (Variation ID: 306175). Invitae Evidence Modeling of protein sequence and biophysical properties (such as structural, functional, and spatial information, amino acid conservation, physicochemical variation, residue mobility, and thermodynamic stability) indicates that this missense variant is not expected to disrupt MYO7A protein function with a negative predictive value of 95%. In summary, the available evidence is currently insufficient to determine the role of this variant in disease. Therefore, it has been classified as a Variant of Uncertain Significance.

GeneDx
Classification: Uncertain significance. Last evaluated: 2023-12-06. Review status: criteria provided, single submitter. Criteria: GeneDx Variant Classification Process June 2021. Collection method: clinical testing. Allele origin: germline. Affected: yes.
Comment: In silico analysis supports that this missense variant has a deleterious effect on protein structure/function; Has not been previously published as pathogenic or benign to our knowledge

Blueprint Genetics
Classification: Uncertain significance. Last evaluated: 2022-04-25. Review status: criteria provided, single submitter. Criteria: ACMG Guidelines, 2015. Collection method: clinical testing. Allele origin: germline.

Illumina Laboratory Services, Illumina
Classification: Uncertain significance for Autosomal recessive nonsyndromic hearing loss 2. Last evaluated: 2018-01-13. Review status: criteria provided, single submitter. Criteria: ICSL Variant Classification Criteria 13 December 2019. Collection method: clinical testing. Allele origin: germline.

Illumina Laboratory Services, Illumina
Classification: Uncertain significance for Usher syndrome type 1. Last evaluated: 2018-01-13. Review status: criteria provided, single submitter. Criteria: ICSL Variant Classification Criteria 13 December 2019. Collection method: clinical testing. Allele origin: germline.

Illumina Laboratory Services, Illumina
Classification: Uncertain significance for Autosomal dominant nonsyndromic hearing loss 11. Last evaluated: 2018-01-13. Review status: criteria provided, single submitter. Criteria: ICSL Variant Classification Criteria 13 December 2019. Collection method: clinical testing. Allele origin: germline.

Natera, Inc.
Classification: Uncertain significance for Usher syndrome type 1B. Last evaluated: 2019-11-11. Review status: no assertion criteria provided. Collection method: clinical testing. Allele origin: germline. Not counted in ClinVar's aggregate classification.

NM_000260.4(MYO7A):c.2372G>A (p.Arg791His)

Gene: MYO7A (myosin VIIA; plus strand). Cytogenetic location: 11q13.5.
Variant type: single nucleotide variant.
Coding change: c.2372G>A on transcript NM_000260.4 (MANE Select); coding-DNA position 2372, G replaced by A.
Protein change: p.Arg791His; replaces arginine 791 with histidine.
Molecular consequence: missense variant.
Genome position (GRCh38, 1-based): chr11:77,179,739, G>A. VCF-style: chr11-77179739-G-A. GRCh37 (hg19) VCF-style: chr11-76890785-G-A.
Other names: c.2372G>A, p.Arg791His (NM_001127180.2); c.2339G>A, p.Arg780His (NM_001369365.1); short protein forms R791H, R780H.
Identifiers: ClinVar variation 306175 (VCV000306175.16), dbSNP rs782693893, ClinGen allele CA6197831.
Genomic context (GRCh38, chr11:77,179,739, plus strand): 5'-AGGGTCAGTCTGGAATGGGACAGCAGGCTCTGAGCATGGGGTGGCTGTCCTTGCAGATGC[G>A]TCTGGGCTTCCTGCGGCTGCAGGCCCTGCACCGCTCCCGGAAGCTGCACCAGCAGTACCG-3'
Protein context (NP_000251.3, residues 781-801): HNCRKNYGLM[Arg791His]LGFLRLQALH